The following is an entry in ClinVar:

NM_015687.5(FILIP1):c.3559C>T (p.Arg1187Ter)

Gene: FILIP1 (filamin A interacting protein 1; minus strand). Cytogenetic location: 6q14.1.
Variant type: single nucleotide variant.
Coding change: c.3559C>T on transcript NM_015687.5 (MANE Select); coding-DNA position 3559, C replaced by T.
Protein change: p.Arg1187Ter; replaces arginine 1187 with a stop codon.
Molecular consequence: nonsense. On other transcripts: intron variant (1).
Genome position (GRCh38, 1-based): chr6:75,308,774, G>A on the plus strand (C>T on the coding strand, the complement: FILIP1 is on the minus strand). VCF-style: chr6-75308774-G-A. GRCh37 (hg19) VCF-style: chr6-76018490-G-A.
Other names: c.3568C>T, p.Arg1190Ter (NM_001289987.3); c.3493+66C>T (NM_001300866.3); short protein forms R1187*, R1190*.
Identifiers: ClinVar variation 5007093 (VCV005007093.2).

ClinVar aggregate classification (germline): Uncertain significance (1 of 4 stars; one submission).

Conditions:
Neuromuscular disorder, congenital, with dysmorphic facies. Identifiers: MedGen C5935643, MONDO:0958332, OMIM 620775.

gnomAD v4.1: 102 of 1,613,994 alleles (0.0063%); highest among the groups gnomAD compares: Middle Eastern, 0.017%; no homozygotes.

Submission:

Juno Genomics, Hangzhou Juno Genomics, Inc
Classification: Uncertain significance for Neuromuscular disorder, congenital, with dysmorphic facies. Review status: criteria provided, single submitter. Criteria: ACMG Guidelines, 2015. Collection method: clinical testing. Allele origin: germline.
Comment: Null variant in a gene where loss of function (LOF) is a known mechanism of disease.;Absent from controls (or at extremely low frequency if recessive) in Genome Aggregation Database.